The following is an entry in ClinVar:

ClinVar aggregate classification (germline): Benign/Likely benign. Review status: criteria provided, multiple submitters, no conflicts (2 of 4 stars). 2 submissions from 2 submitters: Benign (1); Likely benign (1). Last evaluated 2014-10-19.

Conditions:
Wolfram syndrome 1 (WFS1). Identifiers: Orphanet 3463, MedGen C4551693, MONDO:0009101, OMIM 222300.

Submissions (2):

Laboratory for Molecular Medicine, Mass General Brigham Personalized Medicine
Classification: Likely benign. Last evaluated: 2014-10-19. Review status: criteria provided, single submitter. Criteria: LMM Criteria. Collection method: clinical testing. Allele origin: germline. Observed: 1 variant allele.
Comment: p.Ile421Val in exon 8 of WFS1: This variant is not expected to have clinical si gnificance because the isoleucine (Ile) residue at position 421 is not conserved through species, with over 10 mammals having a valine (Val) at this position.

Clinical Genomics, Uppaluri K&H Personalized Medicine Clinic
Classification: Benign for Wolfram syndrome 1. Review status: criteria provided, single submitter. Criteria: K & H Uppaluri Personalized Medicine Clinic Variant Classification & Assertion Criteria_Updated V.1. Collection method: research. Allele origin: unknown. Inheritance: Autosomal recessive inheritance.
Comment: Potent mutations in WFS1 gene are associated with Wolfram's syndrome, an autosomal recessive condition, which cause diabetes mellitus, diabetes insipidus, deafness and optic atrophy.However no sufficient evidence is found to ascertain the role of this particular variant rs727503749 in Wolfram's syndrome yet.

Literature cited by the submitters: PubMed 20738327 (cited by Clinical Genomics, Uppaluri K&H Personalized Medicine Clinic); PubMed 33879153 (cited by Clinical Genomics, Uppaluri K&H Personalized Medicine Clinic); PubMed 12955714 (cited by Clinical Genomics, Uppaluri K&H Personalized Medicine Clinic); PubMed 18060660 (cited by Clinical Genomics, Uppaluri K&H Personalized Medicine Clinic); PubMed 20301750 (cited by Clinical Genomics, Uppaluri K&H Personalized Medicine Clinic); PubMed 17603484 (cited by Clinical Genomics, Uppaluri K&H Personalized Medicine Clinic).

NM_006005.3(WFS1):c.1261A>G (p.Ile421Val)

Gene: WFS1 (wolframin ER transmembrane glycoprotein; plus strand). Cytogenetic location: 4p16.1.
Variant type: single nucleotide variant.
Coding change: c.1261A>G on transcript NM_006005.3 (MANE Select); coding-DNA position 1261, A replaced by G.
Protein change: p.Ile421Val; replaces isoleucine 421 with valine.
Molecular consequence: missense variant.
Genome position (GRCh38, 1-based): chr4:6,301,056, A>G. VCF-style: chr4-6301056-A-G. GRCh37 (hg19) VCF-style: chr4-6302783-A-G.
Other names: c.1261A>G, p.Ile421Val (NM_001145853.1); short protein forms I421V.
Identifiers: ClinVar variation 166585 (VCV000166585.6), dbSNP rs727503749, ClinGen allele CA179643.
Genomic context (GRCh38, chr4:6,301,056, plus strand): 5'-CACCTGGAGCCCTATGCCCATTTCCTGCTCTCTGTCTTCTTCGTCATCTTCTCCTTCCCC[A>G]TCGCCAGCAAGGACTGCATCCCCTGCTCGGAGCTGGCTGTCATCACCGGCTTCTTTACCG-3'
Protein context (NP_005996.2, residues 411-431): SVFFVIFSFP[Ile421Val]ASKDCIPCSE